The following is an entry in ClinVar:

ClinVar aggregate classification (germline): Benign/Likely benign. Review status: criteria provided, multiple submitters, no conflicts (2 of 4 stars). 3 submissions from 3 submitters: Benign (1); Likely benign (1). 1 of the submissions does not count toward it. Last evaluated 2026-08-01.

Conditions:
SLC4A4-related disorder. Also called: SLC4A4-related condition.

Submissions (3):

CeGaT Center for Human Genetics Tuebingen
Classification: Benign. Last evaluated: 2026-08-01. Review status: criteria provided, single submitter. Criteria: CeGaT Center For Human Genetics Tuebingen Variant Classification Criteria Version 2. Collection method: clinical testing. Allele origin: germline. Affected: yes. Observed: 5 variant alleles.
Comment: SLC4A4: BS1, BS2

Blueprint Genetics
Classification: Likely benign. Last evaluated: 2024-11-26. Review status: criteria provided, single submitter. Criteria: ACMG Guidelines, 2015. Collection method: clinical testing. Allele origin: germline.

PreventionGenetics, part of Exact Sciences
Classification: Benign for SLC4A4-related condition. Last evaluated: 2019-07-30. Review status: no assertion criteria provided. Collection method: clinical testing. Allele origin: germline. Not counted in ClinVar's aggregate classification.
Comment: This variant is classified as benign based on ACMG/AMP sequence variant interpretation guidelines (Richards et al. 2015 PMID: 25741868, with internal and published modifications).

NM_001098484.3(SLC4A4):c.*202GTTT[1]

Gene: SLC4A4 (solute carrier family 4 member 4; plus strand). Cytogenetic location: 4q13.3.
Variant type: Microsatellite.
Coding change: c.*202GTTT[1] on transcript NM_001098484.3 (MANE Select); one copy of the 4-base unit GTTT starting at c.*202; the reference has two copies in a row; one copy, 4 bases deleted.
Molecular consequence: 3 prime UTR variant.
Genome position (GRCh38, 1-based): chr4:71,567,957-71,567,960, GTTT deleted; deleting any 4 consecutive bases within chr4:71,567,952-71,567,960 gives the same sequence; the position shown is the placement nearest the transcript's 3' end. VCF-style (leftmost placement, unchanged base first): chr4-71567951-CTGTT-C. GRCh37 (hg19) VCF-style: chr4-72433668-CTGTT-C.
Other names: c.*60GTTT[1] (NM_001134742.2); c.*202GTTT[1] (NM_003759.4); c.*206_*209delGTTT (NM_003759.3).
Identifiers: ClinVar variation 2654802 (VCV002654802.26), dbSNP rs368167161, ClinGen allele CA99475709.